The following is an entry in ClinVar:

NM_000395.3(CSF2RB):c.1407-9G>A

Gene: CSF2RB (colony stimulating factor 2 receptor subunit beta; plus strand). Cytogenetic location: 22q12.3.
Variant type: single nucleotide variant.
Coding change: c.1407-9G>A on transcript NM_000395.3 (MANE Select); 9 bases into the intron before coding-DNA position 1407, G replaced by A.
Molecular consequence: intron variant.
Genome position (GRCh38, 1-based): chr22:36,935,621, G>A. VCF-style: chr22-36935621-G-A. GRCh37 (hg19) VCF-style: chr22-37331663-G-A.
Other names: c.1407-9G>A (NM_000395.2).
Identifiers: ClinVar variation 1622467 (VCV001622467.11), dbSNP rs199648210, ClinGen allele CA10213840.
Genomic context (GRCh38, chr22:36,935,621, plus strand): 5'-CTGGGCATGAGCATGGGAGCAGCTGGCCATGAGGTCTCTGATGGCTGTCACCTCCGTGGT[G>A]TCTTCCAGGCTGCGCAGAAAGTGGGAGGAGAAGATCCCCAACCCCAGCAAGAGCCACCTG-3'

ClinVar aggregate classification (germline): Likely benign. Review status: criteria provided, single submitter (1 of 4 stars). 2 submissions from 2 submitters: Likely benign (1). 1 of the submissions does not count toward it. Last evaluated 2026-01-16.

Conditions:
CSF2RB-related disorder. Also called: CSF2RB-related condition.

Allele frequency attached by ClinVar (database versions not stated): TOPMed 0.00008; gnomAD 0.00009 and 0.00010; gnomAD exomes 0.00015; 1000 Genomes Project 30x 0.00016; 1000 Genomes Project 0.00020.
gnomAD v4.1: 239 of 1,614,230 alleles (0.015%); highest among the groups gnomAD compares: Non-Finnish European, 0.018%; no homozygotes.

Submissions (2):

Labcorp Genetics (formerly Invitae), Labcorp
Classification: Likely benign. Last evaluated: 2026-01-16. Review status: criteria provided, single submitter. Criteria: Invitae Variant Classification Sherloc (09022015). Collection method: clinical testing. Allele origin: germline.

PreventionGenetics, part of Exact Sciences
Classification: Likely benign for CSF2RB-related condition. Last evaluated: 2019-05-27. Review status: no assertion criteria provided. Collection method: clinical testing. Allele origin: germline. Not counted in ClinVar's aggregate classification.
Comment: This variant is classified as likely benign based on ACMG/AMP sequence variant interpretation guidelines (Richards et al. 2015 PMID: 25741868, with internal and published modifications).